The following is an entry in ClinVar:

NM_032737.4(LMNB2):c.1720A>C (p.Met574Leu)

Gene: LMNB2 (lamin B2; minus strand). Cytogenetic location: 19p13.3.
Variant type: single nucleotide variant.
Coding change: c.1720A>C on transcript NM_032737.4 (MANE Select); coding-DNA position 1720, A replaced by C.
Protein change: p.Met574Leu; replaces methionine 574 with leucine.
Molecular consequence: missense variant.
Genome position (GRCh38, 1-based): chr19:2,431,649, T>G on the plus strand (A>C on the coding strand, the complement: LMNB2 is on the minus strand). VCF-style: chr19-2431649-T-G. GRCh37 (hg19) VCF-style: chr19-2431647-T-G.
Other names: short protein forms M574L.
Identifiers: ClinVar variation 4689029 (VCV004689029.1).

ClinVar aggregate classification (germline): Uncertain significance (1 of 4 stars; one submission).

Submission:

Women's Health and Genetics/Laboratory Corporation of America, LabCorp
Classification: Uncertain significance. Last evaluated: 2026-01-29. Review status: criteria provided, single submitter. Criteria: LabCorp Variant Classification Summary - May 2015. Collection method: clinical testing. Allele origin: germline.
Comment: Variant summary: LMNB2 c.1720A>C (p.Met574Leu) results in a conservative amino acid change located in the Lamin tail domain (IPR001322) of the encoded protein sequence. Algorithms developed to predict the effect of missense changes on protein structure and function all suggest that this variant is likely to be tolerated. The variant was absent in 251422 control chromosomes. The available data on variant occurrences in the general population are insufficient to allow any conclusion about variant significance. To our knowledge, no occurrence of c.1720A>C in individuals affected with LMNB2-related conditions and no experimental evidence demonstrating its impact on protein function have been reported. No submitters have cited clinical-significance assessments for this variant to ClinVar. Based on the evidence outlined above, the variant was classified as uncertain significance.